The following is an entry in ClinVar:

ClinVar aggregate classification (germline): Uncertain significance (1 of 4 stars; one submission).

gnomAD v4.1: 2 of 1,612,996 alleles (0.00012%); highest among the groups gnomAD compares: South Asian, 0.0022%; no homozygotes.

Submission:

Labcorp Genetics (formerly Invitae), Labcorp
Classification: Uncertain significance. Last evaluated: 2024-10-30. Review status: criteria provided, single submitter. Criteria: Invitae Variant Classification Sherloc (09022015). Collection method: clinical testing. Allele origin: germline.
Comment: This sequence change replaces threonine, which is neutral and polar, with isoleucine, which is neutral and non-polar, at codon 1193 of the PTPN23 protein (p.Thr1193Ile). This variant is not present in population databases (gnomAD no frequency). This missense change has been observed in individual(s) with neurodevelopmental delay and structural brain abnormalities (internal data). An algorithm developed to predict the effect of missense changes on protein structure and function outputs the following: PolyPhen-2: "Benign". The isoleucine amino acid residue is found in multiple mammalian species, which suggests that this missense change does not adversely affect protein function. In summary, the available evidence is currently insufficient to determine the role of this variant in disease. Therefore, it has been classified as a Variant of Uncertain Significance.

NM_015466.4(PTPN23):c.3578C>T (p.Thr1193Ile)

Gene: PTPN23 (protein tyrosine phosphatase non-receptor type 23; plus strand). Cytogenetic location: 3p21.31.
Variant type: single nucleotide variant.
Coding change: c.3578C>T on transcript NM_015466.4 (MANE Select); coding-DNA position 3578, C replaced by T.
Protein change: p.Thr1193Ile; replaces threonine 1193 with isoleucine.
Molecular consequence: missense variant.
Genome position (GRCh38, 1-based): chr3:47,411,376, C>T. VCF-style: chr3-47411376-C-T. GRCh37 (hg19) VCF-style: chr3-47452866-C-T.
Other names: c.3200C>T, p.Thr1067Ile (NM_001304482.2); short protein forms T1067I, T1193I.
Identifiers: ClinVar variation 3640224 (VCV003640224.2).